The following is an entry in ClinVar:

ClinVar aggregate classification (germline): Uncertain significance (1 of 4 stars; one submission).

Allele frequency attached by ClinVar (database versions not stated): ExAC 0.00001.

Submission:

Labcorp Genetics (formerly Invitae), Labcorp
Classification: Uncertain significance. Last evaluated: 2023-04-15. Review status: criteria provided, single submitter. Criteria: Invitae Variant Classification Sherloc (09022015). Collection method: clinical testing. Allele origin: germline.
Comment: In summary, the available evidence is currently insufficient to determine the role of this variant in disease. Therefore, it has been classified as a Variant of Uncertain Significance. Advanced modeling of protein sequence and biophysical properties (such as structural, functional, and spatial information, amino acid conservation, physicochemical variation, residue mobility, and thermodynamic stability) performed at Invitae indicates that this missense variant is not expected to disrupt SLC10A2 protein function. This variant has not been reported in the literature in individuals affected with SLC10A2-related conditions. This variant is present in population databases (rs200923932, gnomAD 0.002%). This sequence change replaces glutamine, which is neutral and polar, with leucine, which is neutral and non-polar, at codon 297 of the SLC10A2 protein (p.Gln297Leu).

NM_000452.3(SLC10A2):c.890A>T (p.Gln297Leu)

Gene: SLC10A2 (solute carrier family 10 member 2; minus strand). Cytogenetic location: 13q33.1.
Variant type: single nucleotide variant.
Coding change: c.890A>T on transcript NM_000452.3 (MANE Select); coding-DNA position 890, A replaced by T.
Protein change: p.Gln297Leu; replaces glutamine 297 with leucine.
Molecular consequence: missense variant.
Genome position (GRCh38, 1-based): chr13:103,049,318, T>A on the plus strand (A>T on the coding strand, the complement: SLC10A2 is on the minus strand). VCF-style: chr13-103049318-T-A. GRCh37 (hg19) VCF-style: chr13-103701668-T-A.
Other names: short protein forms Q297L.
Identifiers: ClinVar variation 2856673 (VCV002856673.3), dbSNP rs200923932, ClinGen allele CA7042006.
Genomic context (GRCh38, chr13:103,049,318, plus strand): 5'-ATCATGAAATGGGATTGGCATGATTCCTTACATCCTAAGAATATTGCGGCAAAGGCGAGC[T>A]GGAAAATGCTGTAGATGAGCGGGAAGGTGAATACGACATTGAGCTCCTCAGGAGTGAAGG-3'
Protein context (NP_000443.2, residues 287-307): FTFPLIYSIF[Gln297Leu]LAFAAIFLGF